The following is an entry in ClinVar:

NM_004415.4(DSP):c.2706_2707del (p.Leu902_Tyr903insTer)

Gene: DSP (desmoplakin; plus strand). Cytogenetic location: 6p24.3.
Variant type: Microsatellite.
Coding change: c.2706_2707del on transcript NM_004415.4 (MANE Select); coding-DNA positions 2706 to 2707, 2 bases deleted (CT; older notation c.2706_2707delCT).
Protein change: p.Leu902_Tyr903insTer.
Molecular consequence: frameshift variant.
Genome position (GRCh38, 1-based): chr6:7,576,369-7,576,370, CT deleted; deleting any 2 consecutive bases within chr6:7,576,367-7,576,370 gives the same sequence; the c. name uses the placement nearest the transcript's 3' end. VCF-style (leftmost placement, unchanged base first): chr6-7576366-GCT-G. GRCh37 (hg19) VCF-style: chr6-7576599-GCT-G.
Other names: c.2706_2707delCT (NM_004415.2); c.2706_2707del, p.Leu902_Tyr903insTer (NM_001008844.3, NM_001319034.2).
Identifiers: ClinVar variation 949248 (VCV000949248.10), dbSNP rs1759240256, ClinGen allele CA1608608833.

ClinVar aggregate classification (germline): Pathogenic. Review status: criteria provided, multiple submitters, no conflicts (2 of 4 stars). 2 submissions from 2 submitters: Pathogenic (2). Last evaluated 2024-11-21.

Conditions:
Arrhythmogenic cardiomyopathy with wooly hair and keratoderma. Also called: Arrhythmogenic cardiomyopathy with woolly hair and keratoderma; PALMOPLANTAR KERATODERMA WITH LEFT VENTRICULAR CARDIOMYOPATHY AND WOOLLY HAIR; Dilated cardiomyopathy with woolly hair and keratoderma; Carvajal syndrome. Identifiers: Orphanet 65282, MedGen C1854063, MONDO:0011581, OMIM 605676.
Arrhythmogenic right ventricular dysplasia 8 (ARVD8). Also called: Arrhythmogenic Right Ventricular Dysplasia/Cardiomyopathy 8; ARRHYTHMOGENIC RIGHT VENTRICULAR DYSPLASIA, FAMILIAL, 8; ARRHYTHMOGENIC RIGHT VENTRICULAR CARDIOMYOPATHY 8. Identifiers: MedGen C1843896, MONDO:0011831, OMIM 607450.
Cardiovascular phenotype. Identifiers: MedGen CN230736.

Submissions (2):

Labcorp Genetics (formerly Invitae), Labcorp
Classification: Pathogenic for Arrhythmogenic cardiomyopathy with wooly hair and keratoderma; Arrhythmogenic right ventricular dysplasia 8. Last evaluated: 2024-11-21. Review status: criteria provided, single submitter. Criteria: Invitae Variant Classification Sherloc (09022015). Collection method: clinical testing. Allele origin: germline.
Comment: This sequence change creates a premature translational stop signal (p.Tyr903*) in the DSP gene. It is expected to result in an absent or disrupted protein product. Loss-of-function variants in DSP are known to be pathogenic (PMID: 20716751, 24503780, 25227139). This variant is not present in population databases (gnomAD no frequency). This variant has not been reported in the literature in individuals affected with DSP-related conditions. ClinVar contains an entry for this variant (Variation ID: 949248). For these reasons, this variant has been classified as Pathogenic.

Ambry Genetics
Classification: Pathogenic for Cardiovascular phenotype. Last evaluated: 2021-09-23. Review status: criteria provided, single submitter. Criteria: Ambry Variant Classification Scheme 2023. Collection method: clinical testing. Allele origin: germline.
Comment: The c.2706_2707delCT pathogenic mutation, located in coding exon 19 of the DSP gene, results from a deletion of two nucleotides at nucleotide positions 2706 to 2707, causing a translational frameshift with a predicted alternate stop codon (p.Y903*). Alterations in DSP that result in haploinsufficiency or protein truncation have been reported in patients with arrhythmogenic right ventricular cardiomyopathy (ARVC) and dilated cardiomyopathy (DCM) (Fressart V et al. Europace. 2010;12(6):861-8; Elliott P et al. Circ Cardiovasc Genet. 2010;3(4):314-22; Quarta G et al. Circulation. 2011;123(23):2701-9; Garcia-Pavia P et al. Heart. 2011;97(21):1744-52; Rasmussen TB et al. Clin Genet. 2013;84(1):20-30; Pugh TJ et al. Genet Med. 2014;16(8):601-8). This alteration is expected to result in loss of function by premature protein truncation or nonsense-mediated mRNA decay. As such, this alteration is interpreted as a disease-causing mutation.

Literature cited by the submitters: PubMed 20716751 (cited by Labcorp Genetics (formerly Invitae), Labcorp); PubMed 24503780 (cited by Labcorp Genetics (formerly Invitae), Labcorp); PubMed 25227139 (cited by Labcorp Genetics (formerly Invitae), Labcorp).